The following is an entry in ClinVar:

NM_001364905.1(LRBA):c.2341A>G (p.Met781Val)

Gene: LRBA (LPS responsive beige-like anchor protein; minus strand). Cytogenetic location: 4q31.3.
Variant type: single nucleotide variant.
Coding change: c.2341A>G on transcript NM_001364905.1 (MANE Select); coding-DNA position 2341, A replaced by G.
Protein change: p.Met781Val; replaces methionine 781 with valine.
Molecular consequence: missense variant.
Genome position (GRCh38, 1-based): chr4:150,871,371, T>C on the plus strand (A>G on the coding strand, the complement: LRBA is on the minus strand). VCF-style: chr4-150871371-T-C. GRCh37 (hg19) VCF-style: chr4-151792523-T-C.
Other names: c.2341A>G, p.Met781Val (NM_001199282.3, NM_001367550.1, NM_006726.5); short protein forms M781V.
Identifiers: ClinVar variation 2071747 (VCV002071747.5), dbSNP rs374929184, ClinGen allele CA3103296.
Genomic context (GRCh38, chr4:150,871,371, plus strand): 5'-AATTTAGAGGAGTAAATCCTAAGTACATTCCTACCTCAAACAGCACATTATATGTGGTCA[T>C]TGTGATTAAATTTGTCTGAAGCATGAGCCTTTCAGCTAGCAATGAAAACAATCCATGTCC-3'
Protein context (NP_001351834.1, residues 771-791): RLMLQTNLIT[Met781Val]TTYNVLFEIL

ClinVar aggregate classification (germline): Uncertain significance. Review status: criteria provided, multiple submitters, no conflicts (2 of 4 stars). 2 submissions from 2 submitters: Uncertain significance (2). Last evaluated 2025-12-10.

Conditions:
Inborn genetic diseases. Identifiers: MedGen C0950123, MeSH D030342.
Combined immunodeficiency due to LRBA deficiency. Also called: Common variable immunodeficiency 8, with autoimmunity. Identifiers: Orphanet 445018, MedGen C3553512, MONDO:0013863, OMIM 614700.

Allele frequency attached by ClinVar (database versions not stated): ExAC 0.00001; gnomAD exomes below 0.00001; gnomAD 0.00001; TOPMed 0.00002; ESP Exome Variant Server 0.00008.
gnomAD v4.1: 6 of 1,610,096 alleles (0.00037%); highest among the groups gnomAD compares: African/African-American, 0.0013%; no homozygotes.

Submissions (2):

Ambry Genetics
Classification: Uncertain significance for Inborn genetic diseases. Last evaluated: 2025-12-10. Review status: criteria provided, single submitter. Criteria: Ambry Variant Classification Scheme 2023. Collection method: clinical testing. Allele origin: germline.

Labcorp Genetics (formerly Invitae), Labcorp
Classification: Uncertain significance for Combined immunodeficiency due to LRBA deficiency. Last evaluated: 2024-10-22. Review status: criteria provided, single submitter. Criteria: Invitae Variant Classification Sherloc (09022015). Collection method: clinical testing. Allele origin: germline.
Comment: This sequence change replaces methionine, which is neutral and non-polar, with valine, which is neutral and non-polar, at codon 781 of the LRBA protein (p.Met781Val). The frequency data for this variant in the population databases is considered unreliable, as metrics indicate poor data quality at this position in the gnomAD database. This variant has not been reported in the literature in individuals affected with LRBA-related conditions. ClinVar contains an entry for this variant (Variation ID: 2071747). Invitae Evidence Modeling of protein sequence and biophysical properties (such as structural, functional, and spatial information, amino acid conservation, physicochemical variation, residue mobility, and thermodynamic stability) indicates that this missense variant is not expected to disrupt LRBA protein function with a negative predictive value of 80%. In summary, the available evidence is currently insufficient to determine the role of this variant in disease. Therefore, it has been classified as a Variant of Uncertain Significance.